The following is an entry in ClinVar:

NM_004006.3(DMD):c.1518G>T (p.Arg506Ser)

Gene: DMD (dystrophin; minus strand). Cytogenetic location: Xp21.1.
Variant type: single nucleotide variant.
Coding change: c.1518G>T on transcript NM_004006.3 (MANE Select); coding-DNA position 1518, G replaced by T.
Protein change: p.Arg506Ser; replaces arginine 506 with serine.
Molecular consequence: missense variant.
Genome position (GRCh38, 1-based): chrX:32,595,841, C>A on the plus strand (G>T on the coding strand, the complement: DMD is on the minus strand). VCF-style: chrX-32595841-C-A. GRCh37 (hg19) VCF-style: chrX-32613958-C-A.
Other names: c.1494G>T, p.Arg498Ser (NM_000109.4); c.1506G>T, p.Arg502Ser (NM_004009.3); c.1149G>T, p.Arg383Ser (NM_004010.3); short protein forms R506S, R383S, R502S, R498S.
Identifiers: ClinVar variation 382214 (VCV000382214.29), dbSNP rs755456119, ClinGen allele CA10379829.

ClinVar aggregate classification (germline): Conflicting classifications of pathogenicity. Review status: criteria provided, conflicting classifications (1 of 4 stars). 9 submissions from 9 submitters: Uncertain significance (2); Likely benign (6). 1 of the submissions does not count toward it. Last evaluated 2026-03-01.

Conditions:
Cardiovascular phenotype. Identifiers: MedGen CN230736.
Dilated cardiomyopathy 3B (CMD3B). Also called: CMD3B: DMD-Related Dilated Cardiomyopathy; CARDIOMYOPATHY, DILATED, X-LINKED; DMD-Associated Dilated Cardiomyopathy. Identifiers: Orphanet 154, MedGen C3668940, MONDO:0010542, OMIM 302045.
Duchenne muscular dystrophy (DMD). Also called: MUSCULAR DYSTROPHY, PSEUDOHYPERTROPHIC PROGRESSIVE, DUCHENNE TYPE; Duchenne Muscular Dystrophy (DMD). Identifiers: Orphanet 98896, MedGen C0013264, MONDO:0010679, OMIM 310200.
Becker muscular dystrophy (BMD). Also called: Becker Muscular Dystrophy (BMD); MUSCULAR DYSTROPHY, PSEUDOHYPERTROPHIC PROGRESSIVE, BECKER TYPE. Identifiers: Orphanet 98895, MedGen C0917713, MONDO:0010311, OMIM 300376.
Dystrophin deficiency.
Cardiomyopathy (CMYO). Also called: Cardiomyopathies. Identifiers: Orphanet 167848, MedGen C0878544, MONDO:0004994, HP:0001638. Inheritance: Various modes of inheritance.

Allele frequency attached by ClinVar (database versions not stated): ExAC 0.00004; gnomAD 0.00004; TOPMed 0.00009.
gnomAD v4.1: 53 of 1,200,683 alleles (0.0044%); highest among the groups gnomAD compares: Middle Eastern, 0.023%; no homozygotes.

Submissions (9):

CeGaT Center for Human Genetics Tuebingen
Classification: Likely benign. Last evaluated: 2026-03-01. Review status: criteria provided, single submitter. Criteria: CeGaT Center For Human Genetics Tuebingen Variant Classification Criteria Version 2. Collection method: clinical testing. Allele origin: germline. Affected: yes. Observed: 1 variant allele.
Comment: DMD: BS2

Labcorp Genetics (formerly Invitae), Labcorp
Classification: Likely benign for Duchenne muscular dystrophy. Last evaluated: 2025-12-02. Review status: criteria provided, single submitter. Criteria: Invitae Variant Classification Sherloc (09022015). Collection method: clinical testing. Allele origin: germline.

Ambry Genetics
Classification: Likely benign for Cardiovascular phenotype. Last evaluated: 2025-07-31. Review status: criteria provided, single submitter. Criteria: Ambry Variant Classification Scheme 2023. Collection method: clinical testing. Allele origin: germline.

Blueprint Genetics
Classification: Likely benign. Last evaluated: 2023-04-24. Review status: criteria provided, single submitter. Criteria: ACMG Guidelines, 2015. Collection method: clinical testing. Allele origin: germline.

Laboratory for Molecular Medicine, Mass General Brigham Personalized Medicine
Classification: Likely benign. Last evaluated: 2019-01-18. Review status: criteria provided, single submitter. Criteria: LMM Criteria. Collection method: clinical testing. Allele origin: germline. Observed: 1 variant allele.
Comment: The p.Arg506Ser variant in DMD is classified as likely benign because computatio nal prediction tools and conservation analysis suggest that this variant may not impact the protein and the vast majority of pathogenic variants in DMD are eith er large deletions or loss-of-function variants. It has not been previously repo rted in individuals with cardiomyopathy or Duchenne muscular dystrophy, but it h as been identified in 0.005% (1/19058) of African chromosomes by gnomAD. ACMG/AMP Criteria applied: BP1, BP4.

Illumina Laboratory Services, Illumina
Classification: Uncertain significance for Dilated cardiomyopathy 3B. Last evaluated: 2018-01-13. Review status: criteria provided, single submitter. Criteria: ICSL Variant Classification Criteria 13 December 2019. Collection method: clinical testing. Allele origin: germline.

Eurofins Ntd Llc (ga)
Classification: Uncertain significance. Last evaluated: 2017-03-23. Review status: criteria provided, single submitter. Criteria: EGL Classification Definitions 2015. Collection method: clinical testing. Allele origin: germline. Observed: 1 variant allele, 1 hemizygote.

GeneDx
Classification: Likely benign. Last evaluated: 2016-02-18. Review status: criteria provided, single submitter. Criteria: GeneDx Variant Classification (06012015). Collection method: clinical testing. Allele origin: germline. Affected: yes.
Comment: This variant is considered likely benign or benign based on one or more of the following criteria: it is a conservative change, it occurs at a poorly conserved position in the protein, it is predicted to be benign by multiple in silico algorithms, and/or has population frequency not consistent with disease.

Natera, Inc.
Classification: Likely benign for Becker muscular dystrophy; Cardiomyopathy; Duchenne muscular dystrophy; Dystrophin deficiency. Last evaluated: 2019-08-02. Review status: no assertion criteria provided. Collection method: clinical testing. Allele origin: germline. Not counted in ClinVar's aggregate classification.